The following is an entry in ClinVar:

ClinVar aggregate classification (germline): Uncertain significance (1 of 4 stars; one submission).

Submission:

Labcorp Genetics (formerly Invitae), Labcorp
Classification: Uncertain significance. Last evaluated: 2025-02-12. Review status: criteria provided, single submitter. Criteria: Invitae Variant Classification Sherloc (09022015). Collection method: clinical testing. Allele origin: germline.
Comment: This sequence change replaces glutamic acid, which is acidic and polar, with glycine, which is neutral and non-polar, at codon 505 of the PLEKHM2 protein (p.Glu505Gly). This variant is not present in population databases (gnomAD no frequency). This variant has not been reported in the literature in individuals affected with PLEKHM2-related conditions. An algorithm developed to predict the effect of missense changes on protein structure and function outputs the following: PolyPhen-2: "Benign". The glycine amino acid residue is found in multiple mammalian species, which suggests that this missense change does not adversely affect protein function. In summary, the available evidence is currently insufficient to determine the role of this variant in disease. Therefore, it has been classified as a Variant of Uncertain Significance.

NM_015164.4(PLEKHM2):c.1514A>G (p.Glu505Gly)

Gene: PLEKHM2 (pleckstrin homology and RUN domain containing M2; plus strand). Cytogenetic location: 1p36.21.
Variant type: single nucleotide variant.
Coding change: c.1514A>G on transcript NM_015164.4 (MANE Select); coding-DNA position 1514, A replaced by G.
Protein change: p.Glu505Gly; replaces glutamic acid 505 with glycine.
Molecular consequence: missense variant.
Genome position (GRCh38, 1-based): chr1:15,727,586, A>G. VCF-style: chr1-15727586-A-G. GRCh37 (hg19) VCF-style: chr1-16054081-A-G.
Other names: c.1454A>G, p.Glu485Gly (NM_001410755.1); short protein forms E485G, E505G.
Identifiers: ClinVar variation 4812455 (VCV004812455.1).